The following is an entry in ClinVar:

ClinVar aggregate classification (germline): Uncertain significance (1 of 4 stars; one submission).

Allele frequency attached by ClinVar (database versions not stated): gnomAD exomes below 0.00001; TOPMed below 0.00001; gnomAD 0.00001.
gnomAD v4.1: 5 of 1,613,048 alleles (0.00031%); highest among the groups gnomAD compares: Non-Finnish European, 0.00034%; no homozygotes.

Submission:

Labcorp Genetics (formerly Invitae), Labcorp
Classification: Uncertain significance. Last evaluated: 2023-12-06. Review status: criteria provided, single submitter. Criteria: Invitae Variant Classification Sherloc (09022015). Collection method: clinical testing. Allele origin: germline.
Comment: This sequence change replaces methionine, which is neutral and non-polar, with valine, which is neutral and non-polar, at codon 221 of the ARIH1 protein (p.Met221Val). This variant is not present in population databases (gnomAD no frequency). This variant has not been reported in the literature in individuals affected with ARIH1-related conditions. An algorithm developed to predict the effect of missense changes on protein structure and function (PolyPhen-2) suggests that this variant is likely to be tolerated. In summary, the available evidence is currently insufficient to determine the role of this variant in disease. Therefore, it has been classified as a Variant of Uncertain Significance.

NM_005744.5(ARIH1):c.661A>G (p.Met221Val)

Gene: ARIH1 (ariadne RBR E3 ubiquitin protein ligase 1; plus strand). Cytogenetic location: 15q24.1.
Variant type: single nucleotide variant.
Coding change: c.661A>G on transcript NM_005744.5 (MANE Select); coding-DNA position 661, A replaced by G.
Protein change: p.Met221Val; replaces methionine 221 with valine.
Molecular consequence: missense variant.
Genome position (GRCh38, 1-based): chr15:72,555,343, A>G. VCF-style: chr15-72555343-A-G. GRCh37 (hg19) VCF-style: chr15-72847684-A-G.
Other names: short protein forms M221V.
Identifiers: ClinVar variation 2889226 (VCV002889226.3), dbSNP rs2064170487, ClinGen allele CA393238002.